The following is an entry in ClinVar:

NM_199355.4(ADAMTS18):c.2471C>T (p.Ser824Phe)

Gene: ADAMTS18 (ADAM metallopeptidase with thrombospondin type 1 motif 18; minus strand). Cytogenetic location: 16q23.1.
Variant type: single nucleotide variant.
Coding change: c.2471C>T on transcript NM_199355.4 (MANE Select); coding-DNA position 2471, C replaced by T.
Protein change: p.Ser824Phe; replaces serine 824 with phenylalanine.
Molecular consequence: missense variant.
Genome position (GRCh38, 1-based): chr16:77,319,910, G>A on the plus strand (C>T on the coding strand, the complement: ADAMTS18 is on the minus strand). VCF-style: chr16-77319910-G-A. GRCh37 (hg19) VCF-style: chr16-77353807-G-A.
Other names: c.1955C>T, p.Ser652Phe (NM_001326358.2); short protein forms S824F, S652F.
Identifiers: ClinVar variation 1474495 (VCV001474495.8), dbSNP rs572975589, ClinGen allele CA284390186.

ClinVar aggregate classification (germline): Uncertain significance (1 of 4 stars; one submission).

Allele frequency attached by ClinVar (database versions not stated): gnomAD exomes below 0.00001; gnomAD 0.00001; 1000 Genomes Project 30x 0.00016; 1000 Genomes Project 0.00020.
gnomAD v4.1: 2 of 1,614,134 alleles (0.00012%); highest among the groups gnomAD compares: East Asian, 0.0022%; no homozygotes.

Submission:

Labcorp Genetics (formerly Invitae), Labcorp
Classification: Uncertain significance. Last evaluated: 2022-07-23. Review status: criteria provided, single submitter. Criteria: Invitae Variant Classification Sherloc (09022015). Collection method: clinical testing. Allele origin: germline.
Comment: In summary, the available evidence is currently insufficient to determine the role of this variant in disease. Therefore, it has been classified as a Variant of Uncertain Significance. Algorithms developed to predict the effect of missense changes on protein structure and function are either unavailable or do not agree on the potential impact of this missense change (SIFT: "Not Available"; PolyPhen-2: "Possibly Damaging"; Align-GVGD: "Not Available"). ClinVar contains an entry for this variant (Variation ID: 1474495). This variant has not been reported in the literature in individuals affected with ADAMTS18-related conditions. This variant is not present in population databases (gnomAD no frequency). This sequence change replaces serine, which is neutral and polar, with phenylalanine, which is neutral and non-polar, at codon 824 of the ADAMTS18 protein (p.Ser824Phe).